The following is an entry in ClinVar:

ClinVar aggregate classification (germline): Uncertain significance. Review status: criteria provided, multiple submitters, no conflicts (2 of 4 stars). 3 submissions from 3 submitters: Uncertain significance (3). Last evaluated 2026-02-03.

Allele frequency attached by ClinVar (database versions not stated): gnomAD exomes 0.00003 and 0.00007; gnomAD 0.00005; TOPMed 0.00009; ExAC 0.00011.
gnomAD v4.1: 47 of 1,614,160 alleles (0.0029%); highest among the groups gnomAD compares: African/African-American, 0.016%; no homozygotes.

Submissions (3):

Labcorp Genetics (formerly Invitae), Labcorp
Classification: Uncertain significance. Last evaluated: 2026-02-03. Review status: criteria provided, single submitter. Criteria: Invitae Variant Classification Sherloc (09022015). Collection method: clinical testing. Allele origin: germline.
Comment: This sequence change replaces arginine, which is basic and polar, with histidine, which is basic and polar, at codon 422 of the SLC27A5 protein (p.Arg422His). This variant is present in population databases (rs752870959, gnomAD 0.02%). This variant has not been reported in the literature in individuals affected with SLC27A5-related conditions. ClinVar contains an entry for this variant (Variation ID: 502330). An algorithm developed to predict the effect of missense changes on protein structure and function outputs the following: PolyPhen-2: "Benign". The histidine amino acid residue is found in multiple mammalian species, which suggests that this missense change does not adversely affect protein function. In summary, the available evidence is currently insufficient to determine the role of this variant in disease. Therefore, it has been classified as a Variant of Uncertain Significance.

Ambry Genetics
Classification: Uncertain significance. Last evaluated: 2025-02-09. Review status: criteria provided, single submitter. Criteria: Ambry Variant Classification Scheme 2023. Collection method: clinical testing. Allele origin: germline.

Eurofins Ntd Llc (ga)
Classification: Uncertain significance. Last evaluated: 2017-05-31. Review status: criteria provided, single submitter. Criteria: EGL Classification Definitions 2015. Collection method: clinical testing. Allele origin: germline. Observed: 1 variant allele, 1 heterozygote.

NM_012254.3(SLC27A5):c.1265G>A (p.Arg422His)

Gene: SLC27A5 (solute carrier family 27 member 5; minus strand). Cytogenetic location: 19q13.43.
Variant type: single nucleotide variant.
Coding change: c.1265G>A on transcript NM_012254.3 (MANE Select); coding-DNA position 1265, G replaced by A.
Protein change: p.Arg422His; replaces arginine 422 with histidine.
Molecular consequence: missense variant.
Genome position (GRCh38, 1-based): chr19:58,500,624, C>T on the plus strand (G>A on the coding strand, the complement: SLC27A5 is on the minus strand). VCF-style: chr19-58500624-C-T. GRCh37 (hg19) VCF-style: chr19-59011991-C-T.
Other names: c.1013G>A, p.Arg338His (NM_001321196.2); c.1265G>A (NM_012254.2); short protein forms R422H, R338H.
Identifiers: ClinVar variation 502330 (VCV000502330.9), dbSNP rs752870959, ClinGen allele CA9718042.